The following is an entry in ClinVar:

NM_002907.4(RECQL):c.583G>A (p.Ala195Thr)

Gene: RECQL (RecQ like helicase; minus strand). Cytogenetic location: 12p12.1.
Variant type: single nucleotide variant.
Coding change: c.583G>A on transcript NM_002907.4 (MANE Select); coding-DNA position 583, G replaced by A.
Protein change: p.Ala195Thr; replaces alanine 195 with threonine.
Molecular consequence: missense variant.
Genome position (GRCh38, 1-based): chr12:21,483,493, C>T on the plus strand (G>A on the coding strand, the complement: RECQL is on the minus strand). VCF-style: chr12-21483493-C-T. GRCh37 (hg19) VCF-style: chr12-21636427-C-T.
Other names: c.583G>A, p.Ala195Thr (NM_032941.3); short protein forms A195T.
Identifiers: ClinVar variation 1750011 (VCV001750011.2), dbSNP rs1477534266, ClinGen allele CA384127402.
Genomic context (GRCh38, chr12:21,483,493, plus strand): 5'-GAGTAAATCTCCTTGCTTCATAGGCTTTCTCTAGTCTTGACATAAACATTTTGCTTTTTG[C>T]AATTTTCTCTGGAGTCACATAAATCAGCTTTAACTCGGAGTTTTTATTTACCATTTCAGC-3'
Protein context (NP_002898.2, residues 185-205): KLIYVTPEKI[Ala195Thr]KSKMFMSRLE

ClinVar aggregate classification (germline): Uncertain significance (1 of 4 stars; one submission).

Submission:

Ambry Genetics
Classification: Uncertain significance. Last evaluated: 2022-06-24. Review status: criteria provided, single submitter. Criteria: Ambry Variant Classification Scheme 2023. Collection method: clinical testing. Allele origin: germline.
Comment: The p.A195T variant (also known as c.583G>A), located in coding exon 5 of the RECQL gene, results from a G to A substitution at nucleotide position 583. The alanine at codon 195 is replaced by threonine, an amino acid with similar properties. This amino acid position is conserved. In addition, the in silico prediction for this alteration is inconclusive. Since supporting evidence is limited at this time, the clinical significance of this alteration remains unclear.